The following is an entry in ClinVar:

NM_001291303.3(FAT4):c.321C>A (p.Asn107Lys)

Gene: FAT4 (FAT atypical cadherin 4; plus strand). Cytogenetic location: 4q28.1.
Variant type: single nucleotide variant.
Coding change: c.321C>A on transcript NM_001291303.3 (MANE Select); coding-DNA position 321, C replaced by A.
Protein change: p.Asn107Lys; replaces asparagine 107 with lysine.
Molecular consequence: missense variant.
Genome position (GRCh38, 1-based): chr4:125,316,732, C>A. VCF-style: chr4-125316732-C-A. GRCh37 (hg19) VCF-style: chr4-126237887-C-A.
Other names: c.321C>A, p.Asn107Lys (NM_001291285.3, NM_024582.6); c.321C>A (NM_024582.4); short protein forms N107K.
Identifiers: ClinVar variation 1492926 (VCV001492926.9), dbSNP rs772612640, ClinGen allele CA3071787.

ClinVar aggregate classification (germline): Uncertain significance. Review status: criteria provided, multiple submitters, no conflicts (2 of 4 stars). 2 submissions from 2 submitters: Uncertain significance (2). Last evaluated 2025-06-09.

Conditions:
Inborn genetic diseases. Identifiers: MedGen C0950123, MeSH D030342.

Allele frequency attached by ClinVar (database versions not stated): ExAC 0.00001; gnomAD 0.00001; gnomAD exomes 0.00001; TOPMed 0.00001.
gnomAD v4.1: 9 of 1,613,926 alleles (0.00056%); highest among the groups gnomAD compares: African/African-American, 0.0013%; no homozygotes.

Submissions (2):

Ambry Genetics
Classification: Uncertain significance for Inborn genetic diseases. Last evaluated: 2025-06-09. Review status: criteria provided, single submitter. Criteria: Ambry Variant Classification Scheme 2023. Collection method: clinical testing. Allele origin: germline.

Labcorp Genetics (formerly Invitae), Labcorp
Classification: Uncertain significance. Last evaluated: 2022-11-22. Review status: criteria provided, single submitter. Criteria: Invitae Variant Classification Sherloc (09022015). Collection method: clinical testing. Allele origin: germline.
Comment: In summary, the available evidence is currently insufficient to determine the role of this variant in disease. Therefore, it has been classified as a Variant of Uncertain Significance. Advanced modeling of protein sequence and biophysical properties (such as structural, functional, and spatial information, amino acid conservation, physicochemical variation, residue mobility, and thermodynamic stability) performed at Invitae indicates that this missense variant is not expected to disrupt FAT4 protein function. ClinVar contains an entry for this variant (Variation ID: 1492926). This variant has not been reported in the literature in individuals affected with FAT4-related conditions. This variant is present in population databases (rs772612640, gnomAD 0.002%). This sequence change replaces asparagine, which is neutral and polar, with lysine, which is basic and polar, at codon 107 of the FAT4 protein (p.Asn107Lys).